The following is an entry in ClinVar:

ClinVar aggregate classification (germline): Likely pathogenic (1 of 4 stars; one submission).

Allele frequency attached by ClinVar (database versions not stated): gnomAD exomes below 0.00001; ExAC 0.00001.
gnomAD v4.1: 1 of 1,614,208 alleles (0.000062%); highest among the groups gnomAD compares: Non-Finnish European, 0.000085%; no homozygotes.

Submission:

Labcorp Genetics (formerly Invitae), Labcorp
Classification: Likely pathogenic. Last evaluated: 2021-12-20. Review status: criteria provided, single submitter. Criteria: Invitae Variant Classification Sherloc (09022015). Collection method: clinical testing. Allele origin: germline.
Comment: This variant is present in population databases (rs768507002, gnomAD 0.01%). In summary, the currently available evidence indicates that the variant is pathogenic, but additional data are needed to prove that conclusively. Therefore, this variant has been classified as Likely Pathogenic. Experimental studies have shown that this missense change affects HSD11B2 function (PMID: 8641723, 9661590, 29229831). Algorithms developed to predict the effect of missense changes on protein structure and function (SIFT, PolyPhen-2, Align-GVGD) all suggest that this variant is likely to be disruptive. This missense change has been observed in individuals with apparent mineralocorticoid excess (PMID: 9661590, 19169481). It has also been observed to segregate with disease in related individuals. This sequence change replaces arginine, which is basic and polar, with cysteine, which is neutral and slightly polar, at codon 186 of the HSD11B2 protein (p.Arg186Cys).

Literature cited by the submitters: PubMed 8641723; PubMed 9661590; PubMed 29229831; PubMed 19169481.

NM_000196.4(HSD11B2):c.556C>T (p.Arg186Cys)

Gene: HSD11B2 (hydroxysteroid 11-beta dehydrogenase 2; plus strand). Cytogenetic location: 16q22.1.
Variant type: single nucleotide variant.
Coding change: c.556C>T on transcript NM_000196.4 (MANE Select); coding-DNA position 556, C replaced by T.
Protein change: p.Arg186Cys; replaces arginine 186 with cysteine.
Molecular consequence: missense variant.
Genome position (GRCh38, 1-based): chr16:67,436,034, C>T. VCF-style: chr16-67436034-C-T. GRCh37 (hg19) VCF-style: chr16-67469937-C-T.
Other names: short protein forms R186C.
Identifiers: ClinVar variation 2137838 (VCV002137838.4), dbSNP rs768507002, ClinGen allele CA8110660.
Genomic context (GRCh38, chr16:67,436,034, plus strand): 5'-AACAACGCAGGCCACAATGAAGTAGTTGCTGATGCGGAGCTGTCTCCAGTGGCCACTTTC[C>T]GTAGCTGCATGGAGGTGAATTTCTTTGGCGCGCTCGAGCTGACCAAGGGCCTCCTGCCCC-3'
Protein context (NP_000187.3, residues 176-196): DAELSPVATF[Arg186Cys]SCMEVNFFGA